The following is an entry in ClinVar:

NM_002439.5(MSH3):c.1996G>A (p.Asp666Asn)

Gene: MSH3 (mutS homolog 3; plus strand). Cytogenetic location: 5q14.1.
Variant type: single nucleotide variant.
Coding change: c.1996G>A on transcript NM_002439.5 (MANE Select); coding-DNA position 1996, G replaced by A.
Protein change: p.Asp666Asn; replaces aspartic acid 666 with asparagine.
Molecular consequence: missense variant.
Genome position (GRCh38, 1-based): chr5:80,768,032, G>A. VCF-style: chr5-80768032-G-A. GRCh37 (hg19) VCF-style: chr5-80063851-G-A.
Other names: short protein forms D666N.
Identifiers: ClinVar variation 4654762 (VCV004654762.1).

ClinVar aggregate classification (germline): Uncertain significance (1 of 4 stars; one submission).

Conditions:
Hereditary cancer-predisposing syndrome. Also called: Neoplastic Syndromes, Hereditary; Tumor predisposition; Hereditary Cancer Syndrome; Hereditary neoplastic syndrome. Identifiers: Orphanet 140162, MedGen C0027672, MeSH D009386, MONDO:0015356.

gnomAD v4.1: 1 of 1,613,724 alleles (0.000062%); highest among the groups gnomAD compares: Middle Eastern, 0.017%; no homozygotes.

Submission:

Ambry Genetics
Classification: Uncertain significance for Hereditary cancer-predisposing syndrome. Last evaluated: 2025-11-09. Review status: criteria provided, single submitter. Criteria: Ambry Variant Classification Scheme 2023. Collection method: clinical testing. Allele origin: germline.
Comment: The p.D666N variant (also known as c.1996G>A), located in coding exon 14 of the MSH3 gene, results from a G to A substitution at nucleotide position 1996. The aspartic acid at codon 666 is replaced by asparagine, an amino acid with highly similar properties. This amino acid position is conserved. In addition, this alteration is predicted to be tolerated by in silico analysis. Based on the available evidence, the clinical significance of this variant remains unclear.